The following is an entry in ClinVar:

NM_001673.5(ASNS):c.437T>C (p.Phe146Ser)

Genes: ASNS (asparagine synthetase (glutamine-hydrolyzing); minus strand), CZ1P-ASNS (CZ1P-ASNS readthrough; minus strand). Cytogenetic location: 7q21.3.
Variant type: single nucleotide variant.
Coding change: c.437T>C on transcript NM_001673.5 (MANE Select); coding-DNA position 437, T replaced by C.
Protein change: p.Phe146Ser; replaces phenylalanine 146 with serine.
Molecular consequence: missense variant. On other transcripts: non-coding transcript variant (1).
Genome position (GRCh38, 1-based): chr7:97,864,309, A>G on the plus strand (T>C on the coding strand, the complement: ASNS is on the minus strand). VCF-style: chr7-97864309-A-G. GRCh37 (hg19) VCF-style: chr7-97493621-A-G.
Other names: c.374T>C, p.Phe125Ser (NM_001178075.2); c.188T>C, p.Phe63Ser (NM_001178076.2, NM_001178077.1); c.437T>C, p.Phe146Ser (NM_001352496.2, NM_133436.3, NM_183356.4); short protein forms F125S, F146S, F63S.
Identifiers: ClinVar variation 977917 (VCV000977917.8), dbSNP rs1476175517, ClinGen allele CA368271190.

ClinVar aggregate classification (germline): Uncertain significance. Review status: criteria provided, multiple submitters, no conflicts (2 of 4 stars). 4 submissions from 4 submitters: Uncertain significance (3). 1 of the submissions does not count toward it. Last evaluated 2024-11-13.

Conditions:
Inborn genetic diseases. Identifiers: MedGen C0950123, MeSH D030342.
Congenital microcephaly - severe encephalopathy - progressive cerebral atrophy syndrome. Also called: Asparagine synthetase deficiency; ASNS DEFICIENCY. Identifiers: Orphanet 391376, MedGen C3809971, MONDO:0014258, OMIM 615574.

Allele frequency attached by ClinVar (database versions not stated): gnomAD exomes below 0.00001; TOPMed below 0.00001; gnomAD 0.00001.
gnomAD v4.1: 2 of 1,613,622 alleles (0.00012%); highest among the groups gnomAD compares: Non-Finnish European, 0.00017%; no homozygotes.

Submissions (4):

Ambry Genetics
Classification: Uncertain significance for Inborn genetic diseases. Last evaluated: 2024-11-13. Review status: criteria provided, single submitter. Criteria: Ambry Variant Classification Scheme 2023. Collection method: clinical testing. Allele origin: germline.

Women's Health and Genetics/Laboratory Corporation of America, LabCorp
Classification: Uncertain significance. Last evaluated: 2022-05-17. Review status: criteria provided, single submitter. Criteria: LabCorp Variant Classification Summary - May 2015. Collection method: clinical testing. Allele origin: germline.
Comment: Variant summary: ASNS c.437T>C (p.Phe146Ser) results in a non-conservative amino acid change located in the Glutamine amidotransferase type 2 domain (IPR017932) of the encoded protein sequence. Four of five in-silico tools predict a damaging effect of the variant on protein function. The variant was absent in 250860 control chromosomes (gnomAD). The available data on variant occurrences in the general population are insufficient to allow any conclusion about variant significance. To our knowledge, no occurrence of c.437T>C in individuals affected with Asparagine Synthetase Deficiency and no experimental evidence demonstrating its impact on protein function have been reported. One ClinVar submitter has assessed the variant since 2014: the variant was classified as of uncertain significance. Based on the evidence outlined above, the variant was classified as uncertain significance.

Labcorp Genetics (formerly Invitae), Labcorp
Classification: Uncertain significance. Last evaluated: 2021-08-30. Review status: criteria provided, single submitter. Criteria: Invitae Variant Classification Sherloc (09022015). Collection method: clinical testing. Allele origin: germline.
Comment: This sequence change replaces phenylalanine with serine at codon 146 of the ASNS protein (p.Phe146Ser). The phenylalanine residue is highly conserved and there is a large physicochemical difference between phenylalanine and serine. This variant is not present in population databases (ExAC no frequency). This variant has not been reported in the literature in individuals affected with ASNS-related conditions. Algorithms developed to predict the effect of missense changes on protein structure and function (SIFT, PolyPhen-2, Align-GVGD) all suggest that this variant is likely to be disruptive. In summary, the available evidence is currently insufficient to determine the role of this variant in disease. Therefore, it has been classified as a Variant of Uncertain Significance.

Service de Génétique Moléculaire, Hôpital Robert Debré
Classification: Likely pathogenic for Congenital microcephaly - severe encephalopathy - progressive cerebral atrophy syndrome. Review status: no assertion criteria provided. Collection method: clinical testing. Allele origin: unknown. Affected: yes. Not counted in ClinVar's aggregate classification.